The following is an entry in ClinVar:

NM_004054.4(C3AR1):c.919G>A (p.Glu307Lys)

Gene: C3AR1 (complement C3a receptor 1; minus strand). Cytogenetic location: 12p13.31.
Variant type: single nucleotide variant.
Coding change: c.919G>A on transcript NM_004054.4 (MANE Select); coding-DNA position 919, G replaced by A.
Protein change: p.Glu307Lys; replaces glutamic acid 307 with lysine.
Molecular consequence: missense variant.
Genome position (GRCh38, 1-based): chr12:8,059,267, C>T on the plus strand (G>A on the coding strand, the complement: C3AR1 is on the minus strand). VCF-style: chr12-8059267-C-T. GRCh37 (hg19) VCF-style: chr12-8211863-C-T.
Other names: c.919G>A, p.Glu307Lys (NM_001326475.2, NM_001326477.2); short protein forms E307K.
Identifiers: ClinVar variation 2635880 (VCV002635880.1), dbSNP rs368279436, ClinGen allele CA6431917.

ClinVar aggregate classification (germline): Uncertain significance (1 of 4 stars; one submission).

Conditions:
C3AR1-related disorder. Also called: C3AR1-related condition.

Allele frequency attached by ClinVar (database versions not stated): ExAC 0.00002; gnomAD 0.00002; TOPMed 0.00002; ESP Exome Variant Server 0.00008.
gnomAD v4.1: 20 of 1,613,948 alleles (0.0012%); highest among the groups gnomAD compares: Middle Eastern, 0.066%; no homozygotes.

Submission:

PreventionGenetics, part of Exact Sciences
Classification: Uncertain significance for C3AR1-related condition. Last evaluated: 2022-10-12. Review status: criteria provided, single submitter. Criteria: ACMG Guidelines, 2015. Collection method: clinical testing. Allele origin: germline.
Comment: The C3AR1 c.919G>A variant is predicted to result in the amino acid substitution p.Glu307Lys. To our knowledge, this variant has not been reported in the literature. This variant is reported in 0.0040% of alleles in individuals of African descent in gnomAD. At this time, the clinical significance of this variant is uncertain due to the absence of conclusive functional and genetic evidence.